The following is an entry in ClinVar:

ClinVar aggregate classification (germline): Pathogenic (1 of 4 stars; one submission).

Allele frequency attached by ClinVar (database versions not stated): gnomAD exomes below 0.00001.
gnomAD v4.1: 1 of 1,603,566 alleles (0.000062%); highest among the groups gnomAD compares: Non-Finnish European, 0.000085%; no homozygotes.

Submission:

Labcorp Genetics (formerly Invitae), Labcorp
Classification: Pathogenic. Last evaluated: 2024-10-07. Review status: criteria provided, single submitter. Criteria: Invitae Variant Classification Sherloc (09022015). Collection method: clinical testing. Allele origin: germline.
Comment: This sequence change creates a premature translational stop signal (p.Tyr50*) in the CRIPT gene. It is expected to result in an absent or disrupted protein product. Loss-of-function variants in CRIPT are known to be pathogenic (PMID: 24389050, 27250922). This variant is not present in population databases (gnomAD no frequency). This variant has not been reported in the literature in individuals affected with CRIPT-related conditions. ClinVar contains an entry for this variant (Variation ID: 1445347). For these reasons, this variant has been classified as Pathogenic.

Literature cited by the submitters: PubMed 24389050; PubMed 27250922.

NM_014171.6(CRIPT):c.150T>A (p.Tyr50Ter)

Gene: CRIPT (CXXC repeat containing interactor of PDZ3 domain; plus strand). Cytogenetic location: 2p21.
Variant type: single nucleotide variant.
Coding change: c.150T>A on transcript NM_014171.6 (MANE Select); coding-DNA position 150, T replaced by A.
Protein change: p.Tyr50Ter; replaces tyrosine 50 with a stop codon.
Molecular consequence: nonsense.
Genome position (GRCh38, 1-based): chr2:46,623,776, T>A. VCF-style: chr2-46623776-T-A. GRCh37 (hg19) VCF-style: chr2-46850915-T-A.
Other names: short protein forms Y50*.
Identifiers: ClinVar variation 1445347 (VCV001445347.6), dbSNP rs2104174410, ClinGen allele CA346701923.